The following is an entry in ClinVar:

(AAGGG)exp

Gene: RFC1 (replication factor C subunit 1; minus strand). Cytogenetic location: 4p14.
Variant type: Microsatellite.
Identifiers: ClinVar variation 1333160 (VCV001333160.2).

ClinVar aggregate classification (germline): Pathogenic (0 of 4 stars; one submission).

Conditions:
Parkinson disease, late-onset (PD). Also called: PARKINSON DISEASE, LATE-ONSET, SUSCEPTIBILITY TO; Susceptibility to Parkinson's Disease; Hereditary late onset Parkinson disease. Identifiers: Orphanet 411602, MedGen C3160718, MONDO:0008199, OMIM 168600.

Submission:

Research Unit of Clinical Medicine, Medical Research Center Oulu, University of Oulu
Classification: Pathogenic for Parkinson disease, late-onset. Last evaluated: 2021-11-24. Review status: no assertion criteria provided. Collection method: research. Allele origin: germline. Affected: yes. Observed: 3 variant alleles.
Comment: Biallelic (AAGGG)exp in RFC1 has previously been reported to cause incomplete and complete CANVAS, late-onset ataxia and neuropathy. The number of repeated units has varied from 400 to 2000 in the previous patients. Rare cases of MSA has been reported as well. Our three patients had biallelic (AAGGG)exp and clinically confirmed Parkinson's disease without ataxia.

The reference allele is (AAAAG)11. However, the region is hypervariable and benign configurations such as (AAAAG)exp and (AAAGG)exp are frequently found.

Literature cited by the submitters: PubMed 30926972; PubMed 33495376; PubMed 33969391; PubMed 33068476; PubMed 32939785; PubMed 34600502; DOI 10.1038/s41531-021-00275-7.